The following is an entry in ClinVar:

ClinVar aggregate classification (germline): Pathogenic (1 of 4 stars; one submission).

Submission:

GeneDx
Classification: Pathogenic. Last evaluated: 2024-02-12. Review status: criteria provided, single submitter. Criteria: GeneDx Variant Classification Process June 2021. Collection method: clinical testing. Allele origin: germline. Affected: yes.
Comment: Frameshift variant predicted to result in protein truncation or nonsense mediated decay in a gene for which loss of function is a known mechanism of disease; Not observed at significant frequency in large population cohorts (gnomAD); Truncating variants in this gene are considered pathogenic by a well-established clinical consortium and/or database; Has not been previously published as pathogenic or benign to our knowledge; Also known as 7839del

NM_000059.4(BRCA2):c.7611del (p.His2537fs)

Gene: BRCA2 (BRCA2 DNA repair associated; plus strand). Cytogenetic location: 13q13.1.
Variant type: Deletion.
Coding change: c.7611del on transcript NM_000059.4 (MANE Select); coding-DNA position 7611, one base deleted (T; older notation c.7611delT).
Protein change: p.His2537fs; shifts the reading frame from histidine 2537.
Molecular consequence: frameshift variant. On other transcripts: non-coding transcript variant (1).
Genome position (GRCh38, 1-based): chr13:32,356,603, T deleted. VCF-style (leftmost placement, unchanged base first): chr13-32356602-AT-A. GRCh37 (hg19) VCF-style: chr13-32930739-AT-A.
Other names: c.7611delT, p.His2537Glnfs (NM_000059.3); c.7515del, p.His2505fs (NM_001406719.1); c.7611del, p.His2537fs (NM_001406720.1, NM_001432077.1); c.2679del, p.His893fs (NM_001406721.1); c.1194del, p.His398fs (NM_001406722.1); short protein forms H2505fs, H2537fs, H398fs, H893fs.
Identifiers: ClinVar variation 3369165 (VCV003369165.1).